The following is an entry in ClinVar:

ClinVar aggregate classification (germline): Uncertain significance (1 of 4 stars; one submission).

Submission:

GeneDx
Classification: Uncertain significance. Last evaluated: 2023-06-07. Review status: criteria provided, single submitter. Criteria: GeneDx Variant Classification Process June 2021. Collection method: clinical testing. Allele origin: germline. Affected: yes.
Comment: Not observed at significant frequency in large population cohorts (gnomAD); In silico analysis supports that this missense variant has a deleterious effect on protein structure/function; Has not been previously published as pathogenic or benign to our knowledge

NM_006421.5(ARFGEF1):c.5109G>C (p.Arg1703Ser)

Gene: ARFGEF1 (ARF guanine nucleotide exchange factor 1; minus strand). Cytogenetic location: 8q13.2.
Variant type: single nucleotide variant.
Coding change: c.5109G>C on transcript NM_006421.5 (MANE Select); coding-DNA position 5109, G replaced by C.
Protein change: p.Arg1703Ser; replaces arginine 1703 with serine.
Molecular consequence: missense variant. On other transcripts: non-coding transcript variant (1).
Genome position (GRCh38, 1-based): chr8:67,203,102, C>G on the plus strand (G>C on the coding strand, the complement: ARFGEF1 is on the minus strand). VCF-style: chr8-67203102-C-G. GRCh37 (hg19) VCF-style: chr8-68115337-C-G.
Other names: c.5109G>C, p.Arg1703Ser (NM_001413184.1, NM_001413187.1, NM_001413194.1); c.5091G>C, p.Arg1697Ser (NM_001413185.1, NM_001413186.1, NM_001413189.1); c.4509G>C, p.Arg1503Ser (NM_001413188.1, NM_001413197.1); c.5103G>C, p.Arg1701Ser (NM_001413190.1); c.5013G>C, p.Arg1671Ser (NM_001413191.1); c.4995G>C, p.Arg1665Ser (NM_001413192.1); c.4491G>C, p.Arg1497Ser (NM_001413193.1); c.3684G>C, p.Arg1228Ser (NM_001413196.1); short protein forms R1228S, R1497S, R1503S, R1665S, R1671S, R1697S, R1701S, R1703S.
Identifiers: ClinVar variation 3359379 (VCV003359379.1).